The following is an entry in ClinVar:

NM_006231.4(POLE):c.2671T>G (p.Ser891Ala)

Gene: POLE (DNA polymerase epsilon, catalytic subunit; minus strand). Cytogenetic location: 12q24.33.
Variant type: single nucleotide variant.
Coding change: c.2671T>G on transcript NM_006231.4 (MANE Select); coding-DNA position 2671, T replaced by G.
Protein change: p.Ser891Ala; replaces serine 891 with alanine.
Molecular consequence: missense variant.
Genome position (GRCh38, 1-based): chr12:132,664,039, A>C on the plus strand (T>G on the coding strand, the complement: POLE is on the minus strand). VCF-style: chr12-132664039-A-C. GRCh37 (hg19) VCF-style: chr12-133240625-A-C.
Other names: short protein forms S891A.
Identifiers: ClinVar variation 4844276 (VCV004844276.1).
Genomic context (GRCh38, chr12:132,664,039, plus strand): 5'-TCAGGACCAGAGGCCCCAGACTCACCTTGACCATGATGTTCAACATGGCGCCTGGGTAGG[A>C]GATGGTCACTTTGGGCTTCTTCACATTGGTCGTCTTGAAGACAAAATTTTCTGGGAAGCT-3'
Protein context (NP_006222.2, residues 881-901): TNVKKPKVTI[Ser891Ala]YPGAMLNIMV

ClinVar aggregate classification (germline): Uncertain significance (1 of 4 stars; one submission).

Conditions:
Hereditary cancer-predisposing syndrome. Also called: Neoplastic Syndromes, Hereditary; Tumor predisposition; Hereditary Cancer Syndrome; Hereditary neoplastic syndrome. Identifiers: Orphanet 140162, MedGen C0027672, MeSH D009386, MONDO:0015356.

Submission:

Ambry Genetics
Classification: Uncertain significance for Hereditary cancer-predisposing syndrome. Last evaluated: 2026-02-15. Review status: criteria provided, single submitter. Criteria: Ambry Variant Classification Scheme 2023. Collection method: clinical testing. Allele origin: germline.
Comment: The p.S891A variant (also known as c.2671T>G), located in coding exon 23 of the POLE gene, results from a T to G substitution at nucleotide position 2671. The serine at codon 891 is replaced by alanine, an amino acid with similar properties. This amino acid position is conserved. In addition, this alteration is predicted to be tolerated by in silico analysis. Based on the available evidence, the clinical significance of this variant remains unclear.